The following is an entry in ClinVar:

NM_021020.5(LZTS1):c.415C>A (p.His139Asn)

Gene: LZTS1 (leucine zipper tumor suppressor 1; minus strand). Cytogenetic location: 8p21.3.
Variant type: single nucleotide variant.
Coding change: c.415C>A on transcript NM_021020.5 (MANE Select); coding-DNA position 415, C replaced by A.
Protein change: p.His139Asn; replaces histidine 139 with asparagine.
Molecular consequence: missense variant.
Genome position (GRCh38, 1-based): chr8:20,253,516, G>T on the plus strand (C>A on the coding strand, the complement: LZTS1 is on the minus strand). VCF-style: chr8-20253516-G-T. GRCh37 (hg19) VCF-style: chr8-20111027-G-T.
Other names: c.415C>A, p.His139Asn (NM_001362884.2); short protein forms H139N.
Identifiers: ClinVar variation 4766632 (VCV004766632.1).
Genomic context (GRCh38, chr8:20,253,516, plus strand): 5'-CCTTGGGCTTGTCTGGAGGGGCGGGGTGCAGCTGGTGGCTGGCACTCTCCGGGGAGGAGT[G>T]CAGGATGGCTCCTGACCGTGGCAGCACAGGCTTGAAGGCTGTGGGCCTCACTGCACCCTT-3'
Protein context (NP_066300.1, residues 129-149): PVLPRSGAIL[His139Asn]SSPESASHQL

ClinVar aggregate classification (germline): Uncertain significance (1 of 4 stars; one submission).

gnomAD v4.1: 4 of 1,560,618 alleles (0.00026%); highest among the groups gnomAD compares: African/African-American, 0.004%; no homozygotes.

Submission:

Labcorp Genetics (formerly Invitae), Labcorp
Classification: Uncertain significance. Last evaluated: 2025-04-03. Review status: criteria provided, single submitter. Criteria: Invitae Variant Classification Sherloc (09022015). Collection method: clinical testing. Allele origin: germline.
Comment: This sequence change replaces histidine, which is basic and polar, with asparagine, which is neutral and polar, at codon 139 of the LZTS1 protein (p.His139Asn). This variant is present in population databases (no rsID available, gnomAD 0.009%). This variant has not been reported in the literature in individuals affected with LZTS1-related conditions. Invitae Evidence Modeling of protein sequence and biophysical properties (such as structural, functional, and spatial information, amino acid conservation, physicochemical variation, residue mobility, and thermodynamic stability) indicates that this missense variant is not expected to disrupt LZTS1 protein function with a negative predictive value of 80%. In summary, the available evidence is currently insufficient to determine the role of this variant in disease. Therefore, it has been classified as a Variant of Uncertain Significance.